The following is an entry in ClinVar:

ClinVar aggregate classification (germline): Uncertain significance. Review status: criteria provided, multiple submitters, no conflicts (2 of 4 stars). 2 submissions from 2 submitters: Uncertain significance (2). Last evaluated 2025-05-14.

Conditions:
Hereditary cancer-predisposing syndrome. Also called: Hereditary Cancer Syndrome; Tumor predisposition; Neoplastic Syndromes, Hereditary; Hereditary neoplastic syndrome. Identifiers: Orphanet 140162, MedGen C0027672, MeSH D009386, MONDO:0015356.
Familial cancer of breast. Also called: hereditary breast carcinoma; BREAST CANCER, FAMILIAL; Hereditary breast cancer. Identifiers: Orphanet 227535, MedGen C0346153, MONDO:0016419, OMIM 114480. Disease mechanism: loss of function.
Fanconi anemia complementation group J. Also called: BRIP1-Related Fanconi Anemia. Identifiers: Orphanet 84, MedGen C1836860, MONDO:0012187, OMIM 609054.

Allele frequency attached by ClinVar (database versions not stated): TOPMed below 0.00001; gnomAD 0.00001.
gnomAD v4.1: 1 of 1,613,526 alleles (0.000062%); highest among the groups gnomAD compares: Admixed American, 0.0017%; no homozygotes.

Submissions (2):

Labcorp Genetics (formerly Invitae), Labcorp
Classification: Uncertain significance for Familial cancer of breast; Fanconi anemia complementation group J. Last evaluated: 2025-05-14. Review status: criteria provided, single submitter. Criteria: Invitae Variant Classification Sherloc (09022015). Collection method: clinical testing. Allele origin: germline.
Comment: This sequence change replaces cysteine, which is neutral and slightly polar, with tyrosine, which is neutral and polar, at codon 401 of the BRIP1 protein (p.Cys401Tyr). This variant is not present in population databases (gnomAD no frequency). This variant has not been reported in the literature in individuals affected with BRIP1-related conditions. ClinVar contains an entry for this variant (Variation ID: 653223). Invitae Evidence Modeling of protein sequence and biophysical properties (such as structural, functional, and spatial information, amino acid conservation, physicochemical variation, residue mobility, and thermodynamic stability) has been performed for this missense variant. However, the output from this modeling did not meet the statistical confidence thresholds required to predict the impact of this variant on BRIP1 protein function. In summary, the available evidence is currently insufficient to determine the role of this variant in disease. Therefore, it has been classified as a Variant of Uncertain Significance.

Ambry Genetics
Classification: Uncertain significance for Hereditary cancer-predisposing syndrome. Last evaluated: 2025-03-08. Review status: criteria provided, single submitter. Criteria: Ambry Variant Classification Scheme 2023. Collection method: clinical testing. Allele origin: germline.
Comment: The p.C401Y variant (also known as c.1202G>A), located in coding exon 8 of the BRIP1 gene, results from a G to A substitution at nucleotide position 1202. The cysteine at codon 401 is replaced by tyrosine, an amino acid with highly dissimilar properties. This amino acid position is conserved. In addition, the in silico prediction for this alteration is inconclusive. Since supporting evidence is limited at this time, the clinical significance of this alteration remains unclear.

NM_032043.3(BRIP1):c.1202G>A (p.Cys401Tyr)

Gene: BRIP1 (BRCA1 interacting DNA helicase 1; minus strand). Cytogenetic location: 17q23.2.
Variant type: single nucleotide variant.
Coding change: c.1202G>A on transcript NM_032043.3 (MANE Select); coding-DNA position 1202, G replaced by A.
Protein change: p.Cys401Tyr; replaces cysteine 401 with tyrosine.
Molecular consequence: missense variant.
Genome position (GRCh38, 1-based): chr17:61,799,238, C>T on the plus strand (G>A on the coding strand, the complement: BRIP1 is on the minus strand). VCF-style: chr17-61799238-C-T. GRCh37 (hg19) VCF-style: chr17-59876599-C-T.
Other names: short protein forms C401Y.
Identifiers: ClinVar variation 653223 (VCV000653223.15), dbSNP rs1340018456, ClinGen allele CA400483701.
Genomic context (GRCh38, chr17:61,799,238, plus strand): 5'-TCATCCCGAGCAAACCGAAGCTGAACTTCTGTTACACTGTAACTTGCTGATTCCCGAGCA[C>T]AGTCCTCGATGTTATGAGCTTCATCTAAAATGACAACCTGTTCTTTCAGATTTAAATCCA-3'
Protein context (NP_114432.2, residues 391-411): ILDEAHNIED[Cys401Tyr]ARESASYSVT